The following is an entry in ClinVar:

ClinVar aggregate classification (germline): Uncertain significance (1 of 4 stars; one submission).

Allele frequency attached by ClinVar (database versions not stated): gnomAD exomes 0.00001; ExAC 0.00001; TOPMed 0.00002; gnomAD 0.00001; ESP Exome Variant Server 0.00008.
gnomAD v4.1: 11 of 1,612,362 alleles (0.00068%); highest among the groups gnomAD compares: African/African-American, 0.0053%; no homozygotes.

Submission:

Labcorp Genetics (formerly Invitae), Labcorp
Classification: Uncertain significance. Last evaluated: 2022-08-24. Review status: criteria provided, single submitter. Criteria: Invitae Variant Classification Sherloc (09022015). Collection method: clinical testing. Allele origin: germline.
Comment: This sequence change affects codon 590 of the CAMK2B mRNA. It is a 'silent' change, meaning that it does not change the encoded amino acid sequence of the CAMK2B protein. It affects a nucleotide within the consensus splice site. This variant is present in population databases (rs375778783, gnomAD 0.007%). In summary, the available evidence is currently insufficient to determine the role of this variant in disease. Therefore, it has been classified as a Variant of Uncertain Significance. This variant has not been reported in the literature in individuals affected with CAMK2B-related conditions. Algorithms developed to predict the effect of sequence changes on RNA splicing suggest that this variant is not likely to affect RNA splicing.

NM_001220.5(CAMK2B):c.1768C>T (p.Leu590=)

Gene: CAMK2B (calcium/calmodulin dependent protein kinase II beta; minus strand). Cytogenetic location: 7p13.
Variant type: single nucleotide variant.
Coding change: c.1768C>T on transcript NM_001220.5 (MANE Select); coding-DNA position 1768, C replaced by T.
Protein change: p.Leu590=; no amino-acid change (leucine 590 retained).
Molecular consequence: synonymous variant.
Genome position (GRCh38, 1-based): chr7:44,220,616, G>A on the plus strand (C>T on the coding strand, the complement: CAMK2B is on the minus strand). VCF-style: chr7-44220616-G-A. GRCh37 (hg19) VCF-style: chr7-44260215-G-A.
Other names: c.1396C>T, p.Leu466= (NM_001293170.2, NM_172078.3); c.1324C>T, p.Leu442= (NM_172079.3); c.1321C>T, p.Leu441= (NM_172080.3); c.1279C>T, p.Leu427= (NM_172081.3); c.1246C>T, p.Leu416= (NM_172082.3); c.1207C>T, p.Leu403= (NM_172083.3); c.1117C>T, p.Leu373= (NM_172084.3).
Identifiers: ClinVar variation 2078946 (VCV002078946.4), dbSNP rs375778783, ClinGen allele CA4240121.
Genomic context (GRCh38, chr7:44,220,616, plus strand): 5'-GGCCGAGAGGCTCTCCTGGGGGCACCGCCCCCTCATGCCCACCCGGGCTTCCTCACTCAC[G>A]GTTCTCGAAGTAGAATCTGTGGAAGTCCATCCCTTCAACCAGGTTGCCCAGTGCTTCAGG-3'
Protein context (NP_001211.3, residues 580-600): MDFHRFYFEN[Leu590=]LAKNSKPIHT